The following is an entry in ClinVar:

NM_001231.5(CASQ1):c.772G>C (p.Glu258Gln)

Gene: CASQ1 (calsequestrin 1; plus strand). Cytogenetic location: 1q23.2.
Variant type: single nucleotide variant.
Coding change: c.772G>C on transcript NM_001231.5 (MANE Select); coding-DNA position 772, G replaced by C.
Protein change: p.Glu258Gln; replaces glutamic acid 258 with glutamine.
Molecular consequence: missense variant.
Genome position (GRCh38, 1-based): chr1:160,196,017, G>C. VCF-style: chr1-160196017-G-C. GRCh37 (hg19) VCF-style: chr1-160165807-G-C.
Other names: short protein forms E258Q.
Identifiers: ClinVar variation 2991023 (VCV002991023.3), dbSNP rs762251023, ClinGen allele CA343258805.

ClinVar aggregate classification (germline): Uncertain significance (1 of 4 stars; one submission).

Submission:

Labcorp Genetics (formerly Invitae), Labcorp
Classification: Uncertain significance. Last evaluated: 2023-10-06. Review status: criteria provided, single submitter. Criteria: Invitae Variant Classification Sherloc (09022015). Collection method: clinical testing. Allele origin: germline.
Comment: This sequence change replaces glutamic acid, which is acidic and polar, with glutamine, which is neutral and polar, at codon 258 of the CASQ1 protein (p.Glu258Gln). This variant is not present in population databases (gnomAD no frequency). This variant has not been reported in the literature in individuals affected with CASQ1-related conditions. Advanced modeling of protein sequence and biophysical properties (such as structural, functional, and spatial information, amino acid conservation, physicochemical variation, residue mobility, and thermodynamic stability) performed at Invitae indicates that this missense variant is not expected to disrupt CASQ1 protein function. In summary, the available evidence is currently insufficient to determine the role of this variant in disease. Therefore, it has been classified as a Variant of Uncertain Significance.